The following is an entry in ClinVar:

NM_170707.4(LMNA):c.1364G>T (p.Arg455Leu)

Gene: LMNA (lamin A/C; plus strand). Cytogenetic location: 1q22.
Variant type: single nucleotide variant.
Coding change: c.1364G>T on transcript NM_170707.4 (MANE Select); coding-DNA position 1364, G replaced by T.
Protein change: p.Arg455Leu; replaces arginine 455 with leucine.
Molecular consequence: missense variant.
Genome position (GRCh38, 1-based): chr1:156,136,420, G>T. VCF-style: chr1-156136420-G-T. GRCh37 (hg19) VCF-style: chr1-156106211-G-T.
Other names: c.1028G>T, p.Arg343Leu (NM_001257374.3, NM_001406998.1, NM_001406989.1); c.1121G>T, p.Arg374Leu (NM_001282624.2, NM_001406986.1, NM_001406987.1); c.1364G>T, p.Arg455Leu (NM_001282625.2, NM_001282626.2, NM_001406983.1 and 6 more transcripts); c.740G>T, p.Arg247Leu (NM_001406999.1, NM_001407000.1, NM_001407001.1 and 1 more transcripts); c.806G>T, p.Arg269Leu (NM_001407002.1, NM_001407003.1, NM_001406990.1 and 4 more transcripts); c.1067G>T, p.Arg356Leu (NM_001406988.1); short protein forms R247L, R343L, R269L, R356L, R455L, R374L.
Identifiers: ClinVar variation 4772040 (VCV004772040.1).

ClinVar aggregate classification (germline): Uncertain significance (1 of 4 stars; one submission).

Conditions:
Charcot-Marie-Tooth disease type 2. Also called: Charcot-Marie-Tooth type 2. Identifiers: Orphanet 64746, MedGen C0270914, MONDO:0018993.

Submission:

Labcorp Genetics (formerly Invitae), Labcorp
Classification: Uncertain significance for Charcot-Marie-Tooth disease type 2. Last evaluated: 2025-10-01. Review status: criteria provided, single submitter. Criteria: Invitae Variant Classification Sherloc (09022015). Collection method: clinical testing. Allele origin: germline.
Comment: This sequence change replaces arginine, which is basic and polar, with leucine, which is neutral and non-polar, at codon 455 of the LMNA protein (p.Arg455Leu). This variant is not present in population databases (gnomAD no frequency). This variant has not been reported in the literature in individuals affected with LMNA-related conditions. Invitae Evidence Modeling of protein sequence and biophysical properties (such as structural, functional, and spatial information, amino acid conservation, physicochemical variation, residue mobility, and thermodynamic stability) indicates that this missense variant is expected to disrupt LMNA protein function with a positive predictive value of 95%. This variant disrupts the p.Arg455 amino acid residue in LMNA. Other variant(s) that disrupt this residue have been determined to be pathogenic (PMID: 18551513; internal data). This suggests that this residue is clinically significant, and that variants that disrupt this residue are likely to be disease-causing. In summary, the available evidence is currently insufficient to determine the role of this variant in disease. Therefore, it has been classified as a Variant of Uncertain Significance.

Literature cited by the submitters: PubMed 18551513.